The following is an entry in ClinVar:

ClinVar aggregate classification (germline): Likely benign (0 of 4 stars; one submission).

Conditions:
PLXNA4-related disorder. Also called: PLXNA4-related condition.

gnomAD v4.1: 91 of 1,614,016 alleles (0.0056%); highest among the groups gnomAD compares: Admixed American, 0.0033%; no homozygotes.

Submission:

PreventionGenetics, part of Exact Sciences
Classification: Likely benign for PLXNA4-related condition. Last evaluated: 2024-04-17. Review status: no assertion criteria provided. Collection method: clinical testing. Allele origin: germline.
Comment: This variant is classified as likely benign based on ACMG/AMP sequence variant interpretation guidelines (Richards et al. 2015 PMID: 25741868, with internal and published modifications).

NM_020911.2(PLXNA4):c.2361G>A (p.Gly787=)

Gene: PLXNA4 (plexin A4; minus strand). Cytogenetic location: 7q32.3.
Variant type: single nucleotide variant.
Coding change: c.2361G>A on transcript NM_020911.2 (MANE Select); coding-DNA position 2361, G replaced by A.
Protein change: p.Gly787=; no amino-acid change (glycine 787 retained).
Molecular consequence: synonymous variant.
Genome position (GRCh38, 1-based): chr7:132,203,357, C>T on the plus strand (G>A on the coding strand, the complement: PLXNA4 is on the minus strand). VCF-style: chr7-132203357-C-T. GRCh37 (hg19) VCF-style: chr7-131888116-C-T.
Other names: c.2361G>A, p.Gly787= (NM_001393897.1).
Identifiers: ClinVar variation 3350300 (VCV003350300.1).
Genomic context (GRCh38, chr7:132,203,357, plus strand): 5'-CCTGCTAGGCCCCAGCCCTTCCACACCTTTATTCTGAGCTGGGTTGTCAATGTTGAAGTG[C>T]CCATTCCACACGACTGTCAACTCCACGGGCAGGTTGTTGATCTCCATCCCTTCATAGGAA-3'
Protein context (NP_065962.1, residues 777-797): LPVELTVVWN[Gly787=]HFNIDNPAQN